The following is an entry in ClinVar:

ClinVar aggregate classification (germline): Uncertain significance (1 of 4 stars; one submission).

Conditions:
Osteogenesis imperfecta type 7 (OI7). Also called: OSTEOGENESIS IMPERFECTA, TYPE IIB; Osteogenesis imperfecta type 2B; OI type 2B; Osteogenesis imperfecta, perinatal lethal autosomal recessive; OI type IIB; OI type 7. Identifiers: MedGen C1853162, MONDO:0012536, OMIM 610682.

Allele frequency attached by ClinVar (database versions not stated): gnomAD exomes 0.00001 and 0.00002; ExAC 0.00002.
gnomAD v4.1: 4 of 1,613,660 alleles (0.00025%); highest among the groups gnomAD compares: Non-Finnish European, 0.00034%; no homozygotes.

Submission:

Labcorp Genetics (formerly Invitae), Labcorp
Classification: Uncertain significance for Osteogenesis imperfecta type 7. Last evaluated: 2022-05-27. Review status: criteria provided, single submitter. Criteria: Invitae Variant Classification Sherloc (09022015). Collection method: clinical testing. Allele origin: germline.
Comment: This variant has not been reported in the literature in individuals affected with CRTAP-related conditions. Algorithms developed to predict the effect of missense changes on protein structure and function output the following: SIFT: "Tolerated"; PolyPhen-2: "Benign"; Align-GVGD: "Class C0". The methionine amino acid residue is found in multiple mammalian species, which suggests that this missense change does not adversely affect protein function. In summary, the available evidence is currently insufficient to determine the role of this variant in disease. Therefore, it has been classified as a Variant of Uncertain Significance. This sequence change replaces isoleucine, which is neutral and non-polar, with methionine, which is neutral and non-polar, at codon 275 of the CRTAP protein (p.Ile275Met). This variant is present in population databases (rs764370024, gnomAD 0.004%).

NM_006371.5(CRTAP):c.825A>G (p.Ile275Met)

Gene: CRTAP (cartilage associated protein; plus strand). Cytogenetic location: 3p22.3.
Variant type: single nucleotide variant.
Coding change: c.825A>G on transcript NM_006371.5 (MANE Select); coding-DNA position 825, A replaced by G.
Protein change: p.Ile275Met; replaces isoleucine 275 with methionine.
Molecular consequence: missense variant. On other transcripts: intron variant (1).
Genome position (GRCh38, 1-based): chr3:33,129,970, A>G. VCF-style: chr3-33129970-A-G. GRCh37 (hg19) VCF-style: chr3-33171462-A-G.
Other names: c.825A>G, p.Ile275Met (NM_001393363.1); c.675A>G, p.Ile225Met (NM_001393365.1); c.794-2585A>G (NM_001393364.1); short protein forms I225M, I275M.
Identifiers: ClinVar variation 1359057 (VCV001359057.8), dbSNP rs764370024, ClinGen allele CA2300417.
Genomic context (GRCh38, chr3:33,129,970, plus strand): 5'-GCTCTGAAAATTTATATGTTTTGTTTCAGATCATTATGTAGAAGTTCTGGAATGCAAAAT[A>G]CAGTGTGAAGAGAACCTCACCCCAGTTATAGGAGGCTATCCGGTTGAGAAATTTGTGGCT-3'
Protein context (NP_006362.1, residues 265-285): DHYVEVLECK[Ile275Met]QCEENLTPVI